The following is an entry in ClinVar:

NM_005535.3(IL12RB1):c.1217G>T (p.Gly406Val)

Gene: IL12RB1 (interleukin 12 receptor subunit beta 1; minus strand). Cytogenetic location: 19p13.11.
Variant type: single nucleotide variant.
Coding change: c.1217G>T on transcript NM_005535.3 (MANE Select); coding-DNA position 1217, G replaced by T.
Protein change: p.Gly406Val; replaces glycine 406 with valine.
Molecular consequence: missense variant.
Genome position (GRCh38, 1-based): chr19:18,068,499, C>A on the plus strand (G>T on the coding strand, the complement: IL12RB1 is on the minus strand). VCF-style: chr19-18068499-C-A. GRCh37 (hg19) VCF-style: chr19-18179309-C-A.
Other names: c.1217G>T, p.Gly406Val (NM_001290023.2); c.1337G>T, p.Gly446Val (NM_001290024.2); short protein forms G406V, G446V.
Identifiers: ClinVar variation 578822 (VCV000578822.8), dbSNP rs199504990, ClinGen allele CA9304916.

ClinVar aggregate classification (germline): Uncertain significance (1 of 4 stars; one submission).

Conditions:
Mendelian susceptibility to mycobacterial diseases due to complete IL12RB1 deficiency. Also called: IL12RB1 DEFICIENCY; Immunodeficiency 30. Identifiers: Orphanet 319552, MedGen C4013949, MONDO:0013955, OMIM 614891.

gnomAD v4.1: 160 of 1,612,548 alleles (0.0099%); highest among the groups gnomAD compares: Non-Finnish European, 0.013%; no homozygotes.

Submission:

Labcorp Genetics (formerly Invitae), Labcorp
Classification: Uncertain significance for Mendelian susceptibility to mycobacterial diseases due to complete IL12RB1 deficiency. Last evaluated: 2022-07-05. Review status: criteria provided, single submitter. Criteria: Invitae Variant Classification Sherloc (09022015). Collection method: clinical testing. Allele origin: germline.
Comment: This sequence change replaces glycine, which is neutral and non-polar, with valine, which is neutral and non-polar, at codon 406 of the IL12RB1 protein (p.Gly406Val). This variant is present in population databases (rs199504990, gnomAD 0.01%). This variant has not been reported in the literature in individuals affected with IL12RB1-related conditions. ClinVar contains an entry for this variant (Variation ID: 578822). Algorithms developed to predict the effect of missense changes on protein structure and function are either unavailable or do not agree on the potential impact of this missense change (SIFT: "Deleterious"; PolyPhen-2: "Possibly Damaging"; Align-GVGD: "Class C0"). In summary, the available evidence is currently insufficient to determine the role of this variant in disease. Therefore, it has been classified as a Variant of Uncertain Significance.